The following is an entry in ClinVar:

NM_000264.5(PTCH1):c.2465_2467del (p.Leu822del)

Genes: PTCH1 (patched 1; minus strand), LOC100507346 (uncharacterized LOC100507346; plus strand). Cytogenetic location: 9q22.32.
Variant type: Deletion.
Coding change: c.2465_2467del on transcript NM_000264.5 (MANE Select); coding-DNA positions 2465 to 2467, 3 bases deleted (TAC; older notation c.2465_2467delTAC).
Protein change: p.Leu822del; deletes leucine 822.
Molecular consequence: inframe deletion. On other transcripts: non-coding transcript variant (2).
Genome position (GRCh38, 1-based): chr9:95,467,209-95,467,211, GTA deleted on the plus strand (TAC on the coding strand, the reverse complement: PTCH1 is on the minus strand); deleting any 3 consecutive bases within chr9:95,467,209-95,467,212 gives the same sequence; the c. name uses the placement nearest the transcript's 3' end. VCF-style (leftmost placement, unchanged base first): chr9-95467208-TGTA-T. GRCh37 (hg19) VCF-style: chr9-98229490-TGTA-T.
Other names: c.2267_2269del, p.Leu756del (NM_001083602.3); c.2462_2464del, p.Leu821del (NM_001083603.3); c.2012_2014del, p.Leu671del (NM_001083604.3, NM_001083605.3, NM_001083606.3 and 1 more transcripts); c.2309_2311del, p.Leu770del (NM_001354918.2); short protein forms L671del, L756del, L770del, L821del, L822del.
Identifiers: ClinVar variation 5038181 (VCV005038181.1).

ClinVar aggregate classification (germline): Uncertain significance (1 of 4 stars; one submission).

Conditions:
Basal cell nevus syndrome 1 (BCNS1). Also called: MULTIPLE BASAL CELL NEVI, ODONTOGENIC KERATOCYSTS, AND SKELETAL ANOMALIES; GORLIN-GOLTZ SYNDROME. Identifiers: MedGen CN376810, MONDO:0958174, OMIM 109400.

Submission:

MVZ Medizinische Genetik Mainz
Classification: Uncertain significance for Basal cell nevus syndrome 1. Last evaluated: 2026-10-05. Review status: criteria provided, single submitter. Criteria: UK Practice Guidelines For Variant Classification V4 01 2020. Collection method: clinical testing. Allele origin: germline. Inheritance: Autosomal dominant inheritance. Affected: yes. Observed: 1 variant allele.
Comment: ACMG Criteria: PM2_SUP_MOD,PM4_SUP